The following is an entry in ClinVar:

NM_001999.4(FBN2):c.3722C>G (p.Thr1241Arg)

Gene: FBN2 (fibrillin 2; minus strand). Cytogenetic location: 5q23.3.
Variant type: single nucleotide variant.
Coding change: c.3722C>G on transcript NM_001999.4 (MANE Select); coding-DNA position 3722, C replaced by G.
Protein change: p.Thr1241Arg; replaces threonine 1241 with arginine.
Molecular consequence: missense variant.
Genome position (GRCh38, 1-based): chr5:128,335,990, G>C on the plus strand (C>G on the coding strand, the complement: FBN2 is on the minus strand). VCF-style: chr5-128335990-G-C. GRCh37 (hg19) VCF-style: chr5-127671682-G-C.
Other names: short protein forms T1241R.
Identifiers: ClinVar variation 4685659 (VCV004685659.1).
Genomic context (GRCh38, chr5:128,335,990, plus strand): 5'-AGTTTTCCTAGGCTGATTTGAGACATATGAGTTTCAGGCCTGCTTGGTCTCCCCTTACCT[G>C]TACAGCCCTGGCGGTCTGGCGTAGCCTGATATCCAGGATTGCAAGAGCACTGATAGGTTC-3'
Protein context (NP_001990.2, residues 1231-1251): YQATPDRQGC[Thr1241Arg]DIDECMIMNG

ClinVar aggregate classification (germline): Uncertain significance (1 of 4 stars; one submission).

gnomAD v4.1: 4 of 1,613,974 alleles (0.00025%); highest among the groups gnomAD compares: South Asian, 0.0044%; no homozygotes.

Submission:

ARUP Laboratories, Molecular Genetics and Genomics, ARUP Laboratories
Classification: Uncertain significance. Last evaluated: 2025-03-05. Review status: criteria provided, single submitter. Criteria: ARUP Molecular Germline Variant Investigation Process 2024. Collection method: clinical testing. Allele origin: germline.
Comment: The FBN2 c.3722C>G; p.Thr1241Arg variant (rs1171139646), to our knowledge, is not reported in the medical literature or gene specific databases. This variant is only observed on one allele in the Genome Aggregation Database (v2.1.1), indicating it is not a common polymorphism. Computational analyses are uncertain whether this variant is neutral or deleterious (REVEL: 0.522). Due to limited information, the clinical significance of this variant is uncertain at this time.